The following is an entry in ClinVar:

NM_000218.3(KCNQ1):c.760_768del (p.Val254_Phe256del)

Gene: KCNQ1 (potassium voltage-gated channel subfamily Q member 1; plus strand). Cytogenetic location: 11p15.5.
Variant type: Deletion.
Coding change: c.760_768del on transcript NM_000218.3 (MANE Select); coding-DNA positions 760 to 768, 9 bases deleted (GTGGTCTTC; older notation c.760_768delGTGGTCTTC).
Protein change: p.Val254_Phe256del.
Molecular consequence: inframe deletion. On other transcripts: inframe indel (3).
Genome position (GRCh38, 1-based): chr11:2,572,089-2,572,097, GTGGTCTTC deleted; deleting any 9 consecutive bases within chr11:2,572,088-2,572,097 gives the same sequence; the c. name uses the placement nearest the transcript's 3' end. VCF-style (leftmost placement, unchanged base first): chr11-2572087-CCGTGGTCTT-C. GRCh37 (hg19) VCF-style: chr11-2593317-CCGTGGTCTT-C.
Other names: c.760_768delGTGGTCTTC, p.Val254_Phe256del (NM_001406836.1); c.490_498delGTGGTCTTC, p.Val164_Phe166del (NM_001406837.1); c.379_387delGTGGTCTTC, p.Val127_Phe129del (NM_181798.2).
Identifiers: ClinVar variation 53097 (VCV000053097.4), dbSNP rs397508124, ClinGen allele CA008107.

ClinVar aggregate classification (germline): not provided (0 of 4 stars; one submission).

Submission:

GeneDx
No classification provided. Review status: no classification provided. Criteria: GeneDx Variant Classification (06012015). Collection method: clinical testing. Allele origin: germline. Affected: yes.
Comment: .The c.760_768delGTGGTCTTC variant in the KCNQ1 gene has been reported previously in association with LQTS. This variant results in a deletion of three amino acids (Valine-Valine-Phenylalanine) starting at amino acid position 254, a region that is conserved across species. Several missense mutations at codon 254 (Val254Leu, Val254Met) have been reported in association with LQTS, supporting the functional importance of this region of the protein.